The following is an entry in ClinVar:

NM_013318.4(PRRC2B):c.4952C>T (p.Ala1651Val)

Gene: PRRC2B (proline rich coiled-coil 2B; plus strand). Cytogenetic location: 9q34.13.
Variant type: single nucleotide variant.
Coding change: c.4952C>T on transcript NM_013318.4 (MANE Select); coding-DNA position 4952, C replaced by T.
Protein change: p.Ala1651Val; replaces alanine 1651 with valine.
Molecular consequence: missense variant.
Genome position (GRCh38, 1-based): chr9:131,481,777, C>T. VCF-style: chr9-131481777-C-T. GRCh37 (hg19) VCF-style: chr9-134357164-C-T.
Other names: c.4952C>T, p.Ala1651Val (NM_001384818.1, NM_001384821.1, NM_001384822.1); c.2870C>T, p.Ala957Val (NM_001384823.1); short protein forms A1651V, A957V.
Identifiers: ClinVar variation 2659634 (VCV002659634.24), dbSNP rs199736233, ClinGen allele CA5292458.
Genomic context (GRCh38, chr9:131,481,777, plus strand): 5'-CCCTGGCAGCTCTCCCTGTGCAGGCCCCAGCCAACGACTCCTGGAGGAAAGCTGTCACTG[C>T]CTTCAGCAGCACCGAGACTGGCTCTGCGGAGGTGAGTGTGGCCGCTGCCCACATGCTGCC-3'
Protein context (NP_037450.2, residues 1641-1661): ANDSWRKAVT[Ala1651Val]FSSTETGSAE

ClinVar aggregate classification (germline): Likely benign (1 of 4 stars; one submission).

Allele frequency attached by ClinVar (database versions not stated): 1000 Genomes Project 0.00080; 1000 Genomes Project 30x 0.00094; gnomAD 0.00267; ESP Exome Variant Server 0.00323; TOPMed 0.00372; gnomAD exomes 0.00417; ExAC 0.00553.
gnomAD v4.1: 6,267 of 1,564,286 alleles (0.4%); highest among the groups gnomAD compares: Middle Eastern, 1.2%; 24 homozygotes.

Submission:

CeGaT Center for Human Genetics Tuebingen
Classification: Likely benign. Last evaluated: 2023-02-01. Review status: criteria provided, single submitter. Criteria: CeGaT Center For Human Genetics Tuebingen Variant Classification Criteria Version 2. Collection method: clinical testing. Allele origin: germline. Affected: yes. Observed: 2 variant alleles.
Comment: PRRC2B: BP4, BS2